The following is an entry in ClinVar:

ClinVar aggregate classification (germline): Uncertain significance (1 of 4 stars; one submission).

Allele frequency attached by ClinVar (database versions not stated): gnomAD exomes below 0.00001; gnomAD 0.00001.
gnomAD v4.1: 7 of 1,613,962 alleles (0.00043%); highest among the groups gnomAD compares: Non-Finnish European, 0.00059%; no homozygotes.

Submission:

Labcorp Genetics (formerly Invitae), Labcorp
Classification: Uncertain significance. Last evaluated: 2023-02-19. Review status: criteria provided, single submitter. Criteria: Invitae Variant Classification Sherloc (09022015). Collection method: clinical testing. Allele origin: germline.
Comment: In summary, the available evidence is currently insufficient to determine the role of this variant in disease. Therefore, it has been classified as a Variant of Uncertain Significance. Algorithms developed to predict the effect of missense changes on protein structure and function output the following: SIFT: "Not Available"; PolyPhen-2: "Probably Damaging"; Align-GVGD: "Not Available". The threonine amino acid residue is found in multiple mammalian species, which suggests that this missense change does not adversely affect protein function. ClinVar contains an entry for this variant (Variation ID: 1445682). This variant has not been reported in the literature in individuals affected with HMCN1-related conditions. This variant is present in population databases (no rsID available, gnomAD 0.0009%). This sequence change replaces alanine, which is neutral and non-polar, with threonine, which is neutral and polar, at codon 3773 of the HMCN1 protein (p.Ala3773Thr).

NM_031935.3(HMCN1):c.11317G>A (p.Ala3773Thr)

Gene: HMCN1 (hemicentin 1; plus strand). Cytogenetic location: 1q31.1.
Variant type: single nucleotide variant.
Coding change: c.11317G>A on transcript NM_031935.3 (MANE Select); coding-DNA position 11317, G replaced by A.
Protein change: p.Ala3773Thr; replaces alanine 3773 with threonine.
Molecular consequence: missense variant.
Genome position (GRCh38, 1-based): chr1:186,114,859, G>A. VCF-style: chr1-186114859-G-A. GRCh37 (hg19) VCF-style: chr1-186083991-G-A.
Other names: short protein forms A3773T.
Identifiers: ClinVar variation 1445682 (VCV001445682.6), dbSNP rs1268584037, ClinGen allele CA343942679.